The following is an entry in ClinVar:

ClinVar aggregate classification (germline): Benign. Review status: reviewed by expert panel (3 of 4 stars). 11 submissions from 11 submitters: Benign (1). 10 of the submissions do not count toward it. Last evaluated 2023-08-10.

Conditions:
CDH1-related diffuse gastric and lobular breast cancer syndrome. Also called: CDH1-related diffuse gastric and lobular breast cancer. Identifiers: MedGen CN311521, MONDO:0100488.
Hereditary cancer-predisposing syndrome. Also called: Tumor predisposition; Hereditary neoplastic syndrome; Neoplastic Syndromes, Hereditary; Hereditary Cancer Syndrome. Identifiers: Orphanet 140162, MedGen C0027672, MeSH D009386, MONDO:0015356.
Hereditary diffuse gastric adenocarcinoma (HDGC). Also called: DIFFUSE GASTRIC AND LOBULAR BREAST CANCER SYNDROME. Identifiers: Orphanet 26106, MedGen C1708349, MONDO:0007648, OMIM 137215.

Allele frequency attached by ClinVar (database versions not stated): gnomAD 0.00001; TOPMed 0.00010; ExAC 0.00016; gnomAD exomes 0.00016.
gnomAD v4.1: 53 of 1,614,044 alleles (0.0033%); highest among the groups gnomAD compares: Admixed American, 0.088%; 1 homozygote.

Submissions (11):

Clingen Gastric Cancer Variant Curation Expert Panel
Classification: Benign for CDH1-related diffuse gastric and lobular breast cancer syndrome. Last evaluated: 2023-08-10. Review status: reviewed by expert panel. Criteria: ClinGen CDH1 ACMG Specifications V3.1. Collection method: curation. Allele origin: germline. Inheritance: Autosomal dominant inheritance.
Comment: The c.286A>G (p.Ile96Val) variant has an allele frequency of 0.00122 (0.12%, 41/33,578 alleles) in the Latino subpopulation of the gnomAD cohort (BS1). This variant has also been observed in >10 without a diagnosis of diffuse gastric cancer, signet ring tumor or lobular breast cancer and whose family histories do not suggest HDGC (BS2; internal laboratory contributors). In summary, this variant meets criteria to be classified as benign. ACMG/AMP criteria applied, as specified by the CDH1 Variant Curation Expert Panel (Variant Interpretation Guidelines Version 3.1): BS1, BS2.

Labcorp Genetics (formerly Invitae), Labcorp
Classification: Benign for Hereditary diffuse gastric adenocarcinoma. Last evaluated: 2026-01-30. Review status: criteria provided, single submitter. Criteria: Invitae Variant Classification Sherloc (09022015). Collection method: clinical testing. Allele origin: germline. Not counted in ClinVar's aggregate classification.

Myriad Genetics, Inc.
Classification: Likely benign for Hereditary diffuse gastric adenocarcinoma. Last evaluated: 2023-03-03. Review status: criteria provided, single submitter. Criteria: Myriad Autosomal Dominant, Autosomal Recessive and X-Linked Classification Criteria (2023). Collection method: clinical testing. Allele origin: unknown. Not counted in ClinVar's aggregate classification.
Comment: This variant is considered likely benign. Homozygosity has been confirmed in one or more individuals. As homozygosity for pathogenic variants in this gene is generally assumed to result in embryonic lethality, this variant is unlikely to be pathogenic.

Women's Health and Genetics/Laboratory Corporation of America, LabCorp
Classification: Likely benign. Last evaluated: 2023-02-06. Review status: criteria provided, single submitter. Criteria: LabCorp Variant Classification Summary - May 2015. Collection method: clinical testing. Allele origin: germline. Not counted in ClinVar's aggregate classification.

Sema4
Classification: Benign for Hereditary cancer-predisposing syndrome. Last evaluated: 2021-07-13. Review status: criteria provided, single submitter. Criteria: Sema4 Curation Guidelines. Collection method: curation. Allele origin: germline. Not counted in ClinVar's aggregate classification.

GeneDx
Classification: Likely benign. Last evaluated: 2020-12-29. Review status: criteria provided, single submitter. Criteria: GeneDx Variant Classification Process June 2021. Collection method: clinical testing. Allele origin: germline. Affected: yes. Not counted in ClinVar's aggregate classification.
Comment: This variant is associated with the following publications: (PMID: 32269045, 26182300)

Quest Diagnostics Nichols Institute San Juan Capistrano
Classification: Benign. Last evaluated: 2020-01-17. Review status: criteria provided, single submitter. Criteria: Quest Diagnostics criteria. Collection method: clinical testing. Allele origin: unknown. Not counted in ClinVar's aggregate classification.

Ambry Genetics
Classification: Benign for Hereditary cancer-predisposing syndrome. Last evaluated: 2019-01-17. Review status: criteria provided, single submitter. Criteria: Ambry Variant Classification Scheme 2023. Collection method: clinical testing. Allele origin: germline. Not counted in ClinVar's aggregate classification.

PreventionGenetics, part of Exact Sciences
Classification: Likely benign. Last evaluated: 2017-12-05. Review status: criteria provided, single submitter. Criteria: ACMG Guidelines, 2015. Collection method: clinical testing. Allele origin: germline. Not counted in ClinVar's aggregate classification.

Color Diagnostics, LLC DBA Color Health
Classification: Likely benign for Hereditary cancer-predisposing syndrome. Last evaluated: 2017-10-14. Review status: criteria provided, single submitter. Criteria: ACMG Guidelines, 2015. Collection method: clinical testing. Allele origin: germline. Not counted in ClinVar's aggregate classification.

Counsyl
Classification: Uncertain significance for Hereditary diffuse gastric adenocarcinoma. Last evaluated: 2017-06-20. Review status: no assertion criteria provided. Collection method: clinical testing. Allele origin: unknown. Not counted in ClinVar's aggregate classification.

Literature cited by the submitters: PubMed 26182300 (cited by 3 submitters).

NM_004360.5(CDH1):c.286A>G (p.Ile96Val)

Gene: CDH1 (cadherin 1; plus strand). Cytogenetic location: 16q22.1.
Variant type: single nucleotide variant.
Coding change: c.286A>G on transcript NM_004360.5 (MANE Select); coding-DNA position 286, A replaced by G.
Protein change: p.Ile96Val; replaces isoleucine 96 with valine.
Molecular consequence: missense variant. On other transcripts: 5 prime UTR variant (2).
Genome position (GRCh38, 1-based): chr16:68,801,792, A>G. VCF-style: chr16-68801792-A-G. GRCh37 (hg19) VCF-style: chr16-68835695-A-G.
Other names: NM_004360.4(CDH1):c.286A>G; c.286A>G (LRG_301t1); c.286A>G, p.Ile96Val (NM_001317184.2); c.-1330A>G (NM_001317185.2); c.-1534A>G (NM_001317186.2); short protein forms I96V.
Identifiers: ClinVar variation 220611 (VCV000220611.27), dbSNP rs749306433, ClinGen allele CA349520.